The following is an entry in ClinVar:

NM_021800.3(DNAJC12):c.416A>G (p.Glu139Gly)

Gene: DNAJC12 (DnaJ heat shock protein family (Hsp40) member C12; minus strand). Cytogenetic location: 10q21.3.
Variant type: single nucleotide variant.
Coding change: c.416A>G on transcript NM_021800.3 (MANE Select); coding-DNA position 416, A replaced by G.
Protein change: p.Glu139Gly; replaces glutamic acid 139 with glycine.
Molecular consequence: missense variant.
Genome position (GRCh38, 1-based): chr10:67,805,669, T>C on the plus strand (A>G on the coding strand, the complement: DNAJC12 is on the minus strand). VCF-style: chr10-67805669-T-C. GRCh37 (hg19) VCF-style: chr10-69565427-T-C.
Other names: c.416A>G (NM_021800.2); short protein forms E139G.
Identifiers: ClinVar variation 2056666 (VCV002056666.5), dbSNP rs2492786570, ClinGen allele CA377103109.

ClinVar aggregate classification (germline): Uncertain significance. Review status: criteria provided, multiple submitters, no conflicts (2 of 4 stars). 2 submissions from 2 submitters: Uncertain significance (2). Last evaluated 2024-06-10.

Submissions (2):

Labcorp Genetics (formerly Invitae), Labcorp
Classification: Uncertain significance. Last evaluated: 2024-06-10. Review status: criteria provided, single submitter. Criteria: Invitae Variant Classification Sherloc (09022015). Collection method: clinical testing. Allele origin: germline.
Comment: This sequence change replaces glutamic acid, which is acidic and polar, with glycine, which is neutral and non-polar, at codon 139 of the DNAJC12 protein (p.Glu139Gly). This variant is not present in population databases (gnomAD no frequency). This variant has not been reported in the literature in individuals affected with DNAJC12-related conditions. ClinVar contains an entry for this variant (Variation ID: 2056666). Algorithms developed to predict the effect of missense changes on protein structure and function output the following: SIFT: "Not Available"; PolyPhen-2: "Benign"; Align-GVGD: "Not Available". The glycine amino acid residue is found in multiple mammalian species, which suggests that this missense change does not adversely affect protein function. In summary, the available evidence is currently insufficient to determine the role of this variant in disease. Therefore, it has been classified as a Variant of Uncertain Significance.

GeneDx
Classification: Uncertain significance. Last evaluated: 2023-05-05. Review status: criteria provided, single submitter. Criteria: GeneDx Variant Classification Process June 2021. Collection method: clinical testing. Allele origin: germline. Affected: yes.
Comment: Not observed at significant frequency in large population cohorts (gnomAD); In silico analysis supports that this missense variant does not alter protein structure/function; Has not been previously published as pathogenic or benign to our knowledge